The following is an entry in ClinVar:

ClinVar aggregate classification (germline): Benign/Likely benign. Review status: criteria provided, multiple submitters, no conflicts (2 of 4 stars). 12 submissions from 11 submitters: Benign (4); Likely benign (8). Last evaluated 2026-07-01.

Conditions:
Fanconi renotubular syndrome 4 with maturity-onset diabetes of the young (FRTS4). Also called: FRTS4 WITH MODY. Identifiers: Orphanet 93111, MedGen C4014962, MONDO:0014458, OMIM 616026.
Type 2 diabetes mellitus. Also called: Type II diabetes mellitus. Identifiers: MedGen C0011860, MeSH D003924, MONDO:0005148, OMIM 125853, HP:0005978.
Maturity-onset diabetes of the young type 1. Also called: MILD JUVENILE DIABETES MELLITUS; MODY, type I; MODY type 1; Diabetes mellitus MODY type 1; MODY HNF4A related; HNF4A-Related Maturity-Onset Diabetes of the Young Type 1. Identifiers: Orphanet 552, MedGen C1852093, MONDO:0007452, OMIM 125850. Disease mechanism: loss of function.
Maturity-onset diabetes of the young (MODY). Also called: Maturity onset diabetes mellitus in young. Identifiers: Orphanet 552, MedGen C0342276, MONDO:0018911, HP:0004904.
Familial hyperinsulinism. Also called: Congenital hyperinsulinism. Identifiers: Orphanet 276525, MedGen C3888018, MONDO:0017182. Disease mechanism: loss of function.

Allele frequency attached by ClinVar (database versions not stated): ExAC 0.00071; 1000 Genomes Project 0.00379; gnomAD exomes 0.00059 and 0.00029; ESP Exome Variant Server 0.00208; gnomAD 0.00243 and 0.00257; TOPMed 0.00301; 1000 Genomes Project 30x 0.00344.
gnomAD v4.1: 860 of 1,613,950 alleles (0.053%); highest among the groups gnomAD compares: African/African-American, 0.74%; 4 homozygotes.

Submissions (12):

CeGaT Center for Human Genetics Tuebingen
Classification: Likely benign. Last evaluated: 2026-07-01. Review status: criteria provided, single submitter. Criteria: CeGaT Center For Human Genetics Tuebingen Variant Classification Criteria Version 2. Collection method: clinical testing. Allele origin: germline. Affected: yes. Observed: 3 variant alleles.
Comment: HNF4A: BP4, BP7

Labcorp Genetics (formerly Invitae), Labcorp
Classification: Benign. Last evaluated: 2026-01-17. Review status: criteria provided, single submitter. Criteria: Invitae Variant Classification Sherloc (09022015). Collection method: clinical testing. Allele origin: germline.

Athena Diagnostics
Classification: Benign. Last evaluated: 2025-03-31. Review status: criteria provided, single submitter. Criteria: Athena Diagnostics Criteria. Collection method: clinical testing. Allele origin: unknown.
Comment: The frequency of this variant in the general population is higher than would generally be expected for pathogenic variants in this gene.

Blueprint Genetics
Classification: Likely benign. Last evaluated: 2024-11-25. Review status: criteria provided, single submitter. Criteria: ACMG Guidelines, 2015. Collection method: clinical testing. Allele origin: germline.

Fulgent Genetics
Classification: Likely benign for Maturity-onset diabetes of the young type 1; Type 2 diabetes mellitus; Fanconi renotubular syndrome 4 with maturity-onset diabetes of the young. Last evaluated: 2021-11-05. Review status: criteria provided, single submitter. Criteria: ACMG Guidelines, 2015. Collection method: clinical testing. Allele origin: unknown.

GeneDx
Classification: Likely benign. Last evaluated: 2021-01-28. Review status: criteria provided, single submitter. Criteria: GeneDx Variant Classification Process June 2021. Collection method: clinical testing. Allele origin: germline. Affected: yes.

Ambry Genetics
Classification: Likely benign for Maturity-onset diabetes of the young. Last evaluated: 2018-10-23. Review status: criteria provided, single submitter. Criteria: Ambry Variant Classification Scheme 2023. Collection method: clinical testing. Allele origin: germline.

Illumina Laboratory Services, Illumina
Classification: Likely benign for Familial hyperinsulinism. Last evaluated: 2018-01-12. Review status: criteria provided, single submitter. Criteria: ICSL Variant Classification Criteria 13 December 2019. Collection method: clinical testing. Allele origin: germline.
Comment: This variant was observed in the ICSL laboratory as part of a predisposition screen in an ostensibly healthy population. It had not been previously curated by ICSL or reported in the Human Gene Mutation Database (HGMD: prior to June 1st, 2018), and was therefore a candidate for classification through an automated scoring system. Utilizing variant allele frequency, disease prevalence and penetrance estimates, and inheritance mode, an automated score was calculated to assess if this variant is too frequent to cause the disease. Based on the score and internal cut-off values, a variant classified as likely benign is not then subjected to further curation. The score for this variant resulted in a classification of likely benign for this disease.

Illumina Laboratory Services, Illumina
Classification: Benign for Maturity-onset diabetes of the young type 1. Last evaluated: 2018-01-12. Review status: criteria provided, single submitter. Criteria: ICSL Variant Classification Criteria 13 December 2019. Collection method: clinical testing. Allele origin: germline.
Comment: This variant was observed in the ICSL laboratory as part of a predisposition screen in an ostensibly healthy population. It had not been previously curated by ICSL or reported in the Human Gene Mutation Database (HGMD: prior to June 1st, 2018), and was therefore a candidate for classification through an automated scoring system. Utilizing variant allele frequency, disease prevalence and penetrance estimates, and inheritance mode, an automated score was calculated to assess if this variant is too frequent to cause the disease. Based on the score and internal cut-off values, a variant classified as benign is not then subjected to further curation. The score for this variant resulted in a classification of benign for this disease.

Genetic Services Laboratory, University of Chicago
Classification: Likely benign. Last evaluated: 2016-03-17. Review status: criteria provided, single submitter. Criteria: ACMG Guidelines, 2015. Collection method: clinical testing. Allele origin: germline. Affected: no.

Women's Health and Genetics/Laboratory Corporation of America, LabCorp
Classification: Likely benign for MODY1. Last evaluated: 2011-08-18. Review status: criteria provided, single submitter. Criteria: LabCorp Variant Classification Summary - May 2015. Collection method: curation, clinical testing. Allele origin: germline. Inheritance: autosomal unknown. Affected: yes.
ClinVar note: Converted during submission from likely benign to Likely benign.

PreventionGenetics, part of Exact Sciences
Classification: Benign. Review status: criteria provided, single submitter. Criteria: ACMG Guidelines, 2015. Collection method: clinical testing. Allele origin: germline.

Literature cited by the submitters: PubMed 26512799 (cited by Athena Diagnostics); PubMed 23348805 (cited by Athena Diagnostics).

NM_175914.5(HNF4A):c.744C>T (p.Asp248=)

Gene: HNF4A (hepatocyte nuclear factor 4 alpha; plus strand). Cytogenetic location: 20q13.12.
Variant type: single nucleotide variant.
Coding change: c.744C>T on transcript NM_175914.5 (MANE Select); coding-DNA position 744, C replaced by T.
Protein change: p.Asp248=; no amino-acid change (aspartic acid 248 retained).
Molecular consequence: synonymous variant.
Genome position (GRCh38, 1-based): chr20:44,419,794, C>T. VCF-style: chr20-44419794-C-T. GRCh37 (hg19) VCF-style: chr20-43048434-C-T.
Other names: c.810C>T, p.Asp270= (NM_000457.6, NM_178849.3, NM_178850.3); c.744C>T, p.Asp248= (NM_001030003.3, NM_001030004.3); c.789C>T, p.Asp263= (NM_001258355.2); c.735C>T, p.Asp245= (NM_001287182.2, NM_001287183.2, NM_001287184.2).
Identifiers: ClinVar variation 36359 (VCV000036359.49), dbSNP rs6031592, ClinGen allele CA213974.